The following is an entry in ClinVar:

NM_000238.4(KCNH2):c.3092_3105delinsTC (p.Gly1031_Arg1035delinsVal)

Gene: KCNH2 (potassium voltage-gated channel subfamily H member 2; minus strand). Cytogenetic location: 7q36.1.
Variant type: Indel.
Coding change: c.3092_3105delinsTC on transcript NM_000238.4 (MANE Select); coding-DNA positions 3092 to 3105, GTCGGCGGCCCCGG replaced by TC.
Protein change: p.Gly1031_Arg1035delinsVal.
Molecular consequence: inframe indel. On other transcripts: non-coding transcript variant (2).
Genome position (GRCh38, 1-based): chr7:150,947,375-150,947,388, CCGGGGCCGCCGAC replaced by GA on the plus strand (GTCGGCGGCCCCGG replaced by TC on the coding strand, the reverse complement: KCNH2 is on the minus strand). VCF-style: chr7-150947375-CCGGGGCCGCCGAC-GA. GRCh37 (hg19) VCF-style: chr7-150644463-CCGGGGCCGCCGAC-GA.
Other names: c.2804_2817delinsTC, p.Gly935_Arg939delinsVal (NM_001406753.1); c.2072_2085delinsTC, p.Gly691_Arg695delinsVal (NM_172057.3); c.3092_3105del14insTC (NM_000238.3).
Identifiers: ClinVar variation 2452989 (VCV002452989.18), dbSNP rs2486003878, ClinGen allele CA2580077706.

ClinVar aggregate classification (germline): Uncertain significance. Review status: criteria provided, multiple submitters, no conflicts (2 of 4 stars). 5 submissions from 5 submitters: Uncertain significance (5). Last evaluated 2026-01-14.

Conditions:
Long QT syndrome (LQTS). Identifiers: MedGen C0023976, MeSH D008133, MONDO:0002442. Disease mechanism: loss of function. Inheritance: Various modes of inheritance.
Cardiovascular phenotype. Identifiers: MedGen CN230736.
Cardiac arrhythmia. Also called: Arrhythmia; Cardiac rhythm disease. Identifiers: MedGen C0003811, MONDO:0007263, HP:0011675.

Submissions (5):

Labcorp Genetics (formerly Invitae), Labcorp
Classification: Uncertain significance for Long QT syndrome. Last evaluated: 2026-01-14. Review status: criteria provided, single submitter. Criteria: Invitae Variant Classification Sherloc (09022015). Collection method: clinical testing. Allele origin: germline.
Comment: This variant, c.3092_3105delinsTC , is a complex sequence change that results in the deletion of 5 and insertion of 1 amino acid(s) in the KCNH2 protein (p.Gly1031_Arg1035delinsVal). Information on the frequency of this variant in the gnomAD database is not available, as this variant may be reported differently in the database. This variant has not been reported in the literature in individuals affected with KCNH2-related conditions. Experimental studies and prediction algorithms are not available or were not evaluated, and the functional significance of this variant is currently unknown. In summary, the available evidence is currently insufficient to determine the role of this variant in disease. Therefore, it has been classified as a Variant of Uncertain Significance.

Ambry Genetics
Classification: Uncertain significance for Cardiovascular phenotype. Last evaluated: 2025-04-25. Review status: criteria provided, single submitter. Criteria: Ambry Variant Classification Scheme 2023. Collection method: clinical testing. Allele origin: germline.
Comment: The c.3092_3105del14insTC variant (also known as p.G1031_R1035delinsV), located in coding exon 13 of the KCNH2 gene, results from an in-frame deletion of GTCGGCGGCCCCGG and insertion of TC at nucleotide positions 3092 to 3105. This results in the substitution of five amino acid residues (Gly, Arg, Arg, Pro, Arg) at codons 1031 to 1035 for a valine residue. This amino acid region is not well conserved in available vertebrate species. In addition, this alteration is predicted to be deleterious by in silico analysis (Choi Y et al. PLoS ONE. 2012; 7(10):e46688). Since supporting evidence is limited at this time, the clinical significance of this alteration remains unclear.

CeGaT Center for Human Genetics Tuebingen
Classification: Uncertain significance. Last evaluated: 2024-12-01. Review status: criteria provided, single submitter. Criteria: CeGaT Center For Human Genetics Tuebingen Variant Classification Criteria Version 2. Collection method: clinical testing. Allele origin: germline. Affected: yes. Observed: 1 variant allele.
Comment: KCNH2: PM2, PM4

All of Us Research Program, National Institutes of Health
Classification: Uncertain significance for Long QT syndrome. Last evaluated: 2023-10-23. Review status: criteria provided, single submitter. Criteria: ACMG Guidelines, 2015. Collection method: clinical testing. Allele origin: germline. Inheritance: Autosomal dominant inheritance. Observed: 1 variant allele, 1 heterozygote.
Comment: This variant replaces five consecutive amino acids (Gly1031, Arg1032, Arg1033, Pro1034, Arg1035) with a valine residue in exon 13 of the KCNH2 protein. To our knowledge, functional studies have not been reported for this variant. This variant has not been reported in individuals affected with KCNH2-related disorders in the literature. This variant has not been identified in the general population by the Genome Aggregation Database (gnomAD). The available evidence is insufficient to determine the role of this variant in disease conclusively. Therefore, this variant is classified as a Variant of Uncertain Significance.

This study involves interpretation of variants in research participants for the purpose of population health screening. Participant phenotype was not available at the time of variant classification. Additional details can be found in publication PMID: 35346344, PMCID: PMC8962531

Color Diagnostics, LLC DBA Color Health
Classification: Uncertain significance for Cardiac arrhythmia. Last evaluated: 2023-09-18. Review status: criteria provided, single submitter. Criteria: ACMG Guidelines, 2015. Collection method: clinical testing. Allele origin: germline.
Comment: This variant replaces five consecutive amino acids (Gly1031, Arg1032, Arg1033, Pro1034, Arg1035) with a valine residue in exon 13 of the KCNH2 protein. To our knowledge, functional studies have not been reported for this variant. This variant has not been reported in individuals affected with KCNH2-related disorders in the literature. This variant has not been identified in the general population by the Genome Aggregation Database (gnomAD). The available evidence is insufficient to determine the role of this variant in disease conclusively. Therefore, this variant is classified as a Variant of Uncertain Significance.